The following is an entry in ClinVar:

ClinVar aggregate classification (germline): Conflicting classifications of pathogenicity. Review status: criteria provided, conflicting classifications (1 of 4 stars). 6 submissions from 6 submitters: Uncertain significance (3); Likely benign (2). 1 of the submissions does not count toward it. Last evaluated 2026-01-19.

Conditions:
GLIS3-related disorder. Also called: GLIS3-related condition.
Monogenic diabetes. Identifiers: Orphanet 183625, MedGen C3888631, MONDO:0015967.
Neonatal diabetes mellitus with congenital hypothyroidism. Also called: NDH SYNDROME. Identifiers: Orphanet 79118, MedGen C1857775, MONDO:0012436, OMIM 610199.

Allele frequency attached by ClinVar (database versions not stated): ESP Exome Variant Server 0.00066; 1000 Genomes Project 0.00120; 1000 Genomes Project 30x 0.00125; TOPMed 0.00147; gnomAD 0.00163; ExAC 0.00342.
gnomAD v4.1: 4,616 of 1,583,390 alleles (0.29%); highest among the groups gnomAD compares: Non-Finnish European, 0.35%; 9 homozygotes.

Submissions (6):

Labcorp Genetics (formerly Invitae), Labcorp
Classification: Likely benign. Last evaluated: 2026-01-19. Review status: criteria provided, single submitter. Criteria: Invitae Variant Classification Sherloc (09022015). Collection method: clinical testing. Allele origin: germline.

Blueprint Genetics
Classification: Uncertain significance. Last evaluated: 2024-10-14. Review status: criteria provided, single submitter. Criteria: ACMG Guidelines, 2015. Collection method: clinical testing. Allele origin: germline.

CeGaT Center for Human Genetics Tuebingen
Classification: Uncertain significance. Last evaluated: 2024-02-01. Review status: criteria provided, single submitter. Criteria: CeGaT Center For Human Genetics Tuebingen Variant Classification Criteria Version 2. Collection method: clinical testing. Allele origin: germline. Affected: yes. Observed: 1 variant allele.

Illumina Laboratory Services, Illumina
Classification: Likely benign for Neonatal diabetes mellitus with congenital hypothyroidism. Last evaluated: 2018-01-12. Review status: criteria provided, single submitter. Criteria: ICSL Variant Classification Criteria 13 December 2019. Collection method: clinical testing. Allele origin: germline.
Comment: This variant was observed in the ICSL laboratory as part of a predisposition screen in an ostensibly healthy population. It had not been previously curated by ICSL or reported in the Human Gene Mutation Database (HGMD: prior to June 1st, 2018), and was therefore a candidate for classification through an automated scoring system. Utilizing variant allele frequency, disease prevalence and penetrance estimates, and inheritance mode, an automated score was calculated to assess if this variant is too frequent to cause the disease. Based on the score and internal cut-off values, a variant classified as likely benign is not then subjected to further curation. The score for this variant resulted in a classification of likely benign for this disease.

Personalized Diabetes Medicine Program, University of Maryland School of Medicine
Classification: Uncertain significance for Monogenic diabetes. Last evaluated: 2016-07-07. Review status: criteria provided, single submitter. Criteria: ACMG Guidelines, 2015. Collection method: research. Allele origin: unknown. Observed: 1 variant allele, 1 heterozygote.
Comment: ACMG Criteria: PP3, BP4

PreventionGenetics, part of Exact Sciences
Classification: Likely benign for GLIS3-related condition. Last evaluated: 2022-01-17. Review status: no assertion criteria provided. Collection method: clinical testing. Allele origin: germline. Not counted in ClinVar's aggregate classification.
Comment: This variant is classified as likely benign based on ACMG/AMP sequence variant interpretation guidelines (Richards et al. 2015 PMID: 25741868, with internal and published modifications).

NM_001042413.2(GLIS3):c.1191G>C (p.Gln397His)

Gene: GLIS3 (GLIS family zinc finger 3; minus strand). Cytogenetic location: 9p24.2.
Variant type: single nucleotide variant.
Coding change: c.1191G>C on transcript NM_001042413.2 (MANE Select); coding-DNA position 1191, G replaced by C.
Protein change: p.Gln397His; replaces glutamine 397 with histidine.
Molecular consequence: missense variant.
Genome position (GRCh38, 1-based): chr9:4,118,287, C>G on the plus strand (G>C on the coding strand, the complement: GLIS3 is on the minus strand). VCF-style: chr9-4118287-C-G. GRCh37 (hg19) VCF-style: chr9-4118287-C-G.
Other names: c.726G>C, p.Gln242His (NM_152629.4); short protein forms Q397H, Q242H.
Identifiers: ClinVar variation 393416 (VCV000393416.39), dbSNP rs138497710, ClinGen allele CA4968277.